The following is an entry in ClinVar:

ClinVar aggregate classification (germline): Benign/Likely benign. Review status: criteria provided, multiple submitters, no conflicts (2 of 4 stars). 4 submissions from 4 submitters: Benign (1); Likely benign (3). Last evaluated 2026-01-28.

Conditions:
Junctional epidermolysis bullosa with pyloric atresia. Also called: Junctional Epidermolysis Bullosa- Pyloric Atresia Syndrome; Epidermolysis bullosa, junctional, with pyloric atresia and aplasia cutis congenita; Epidermolysis bullosa junctionalis with pyloric atresia; ITGB4-Related Epidermolysis Bullosa with Pyloric Atresia; APLASIA CUTIS CONGENITA WITH GASTROINTESTINAL ATRESIA; CARMI SYNDROME. Identifiers: Orphanet 79403, MedGen C5676875, MONDO:0009183, OMIM 226730.

Allele frequency attached by ClinVar (database versions not stated): gnomAD exomes 0.00061 and 0.00139; ExAC 0.00141; gnomAD 0.00426 and 0.00460; TOPMed 0.00460; ESP Exome Variant Server 0.00477; 1000 Genomes Project 0.00479; 1000 Genomes Project 30x 0.00547.
gnomAD v4.1: 1,573 of 1,582,704 alleles (0.099%); highest among the groups gnomAD compares: African/African-American, 1.4%; 6 homozygotes.

Submissions (4):

Labcorp Genetics (formerly Invitae), Labcorp
Classification: Benign. Last evaluated: 2026-01-28. Review status: criteria provided, single submitter. Criteria: Invitae Variant Classification Sherloc (09022015). Collection method: clinical testing. Allele origin: germline.

Blueprint Genetics
Classification: Likely benign. Last evaluated: 2024-11-25. Review status: criteria provided, single submitter. Criteria: ACMG Guidelines, 2015. Collection method: clinical testing. Allele origin: germline.

Illumina Laboratory Services, Illumina
Classification: Likely benign for Junctional epidermolysis bullosa with pyloric atresia. Last evaluated: 2017-04-27. Review status: criteria provided, single submitter. Criteria: ICSL Variant Classification Criteria 13 December 2019. Collection method: clinical testing. Allele origin: germline.
Comment: This variant was observed as part of a predisposition screen in an ostensibly healthy population. A literature search was performed for the gene, cDNA change, and amino acid change (where applicable). No publications were found based on this search. Allele frequency data from public databases allowed determination this variant is unlikely to cause disease. Therefore, this variant is classified as likely benign.

Breakthrough Genomics
Classification: Likely benign. Review status: criteria provided, single submitter. Criteria: ACMG Guidelines, 2015. Collection method: not provided. Allele origin: germline. Inheritance: Autosomal recessive inheritance. Affected: yes.

NM_000210.4(ITGA6):c.2505+9G>C

Genes: ITGA6 (integrin subunit alpha 6; plus strand), PDK1-AS1 (PDK1 and ITGA6 antisense RNA 1; minus strand). Cytogenetic location: 2q31.1.
Variant type: single nucleotide variant.
Coding change: c.2505+9G>C on transcript NM_000210.4 (MANE Select); 9 bases into the intron after coding-DNA position 2505, G replaced by C.
Molecular consequence: intron variant.
Genome position (GRCh38, 1-based): chr2:172,488,237, G>C. VCF-style: chr2-172488237-G-C. GRCh37 (hg19) VCF-style: chr2-173352965-G-C.
Other names: c.2148+9G>C (NM_001316306.2); c.2505+9G>C (NM_001079818.3, NM_001365530.2, NM_001365529.2).
Identifiers: ClinVar variation 729068 (VCV000729068.14), dbSNP rs144420350, ClinGen allele CA1968408.